The following is an entry in ClinVar:

ClinVar aggregate classification (germline): Likely benign (1 of 4 stars; one submission).

Allele frequency attached by ClinVar (database versions not stated): 1000 Genomes Project 0.00180; 1000 Genomes Project 30x 0.00203; ExAC 0.00304; TOPMed 0.00332; gnomAD 0.00431.

Submission:

CeGaT Center for Human Genetics Tuebingen
Classification: Likely benign. Last evaluated: 2026-09-01. Review status: criteria provided, single submitter. Criteria: CeGaT Center For Human Genetics Tuebingen Variant Classification Criteria Version 2. Collection method: clinical testing. Allele origin: germline. Affected: yes. Observed: 22 variant alleles.
Comment: NDUFB10: BP4, BP7, BS2

NM_004548.3(NDUFB10):c.409+59C>T

Genes: NDUFB10 (NADH:ubiquinone oxidoreductase subunit B10; plus strand), LOC130058199 (ATAC-STARR-seq lymphoblastoid active region 10242; plus strand). Cytogenetic location: 16p13.3.
Variant type: single nucleotide variant.
Coding change: c.409+59C>T on transcript NM_004548.3 (MANE Select); 59 bases into the intron after coding-DNA position 409, C replaced by T.
Molecular consequence: intron variant.
Genome position (GRCh38, 1-based): chr16:1,961,695, C>T. VCF-style: chr16-1961695-C-T. GRCh37 (hg19) VCF-style: chr16-2011696-C-T.
Identifiers: ClinVar variation 2645953 (VCV002645953.24), dbSNP rs145006994, ClinGen allele CA7823383.